The following is an entry in ClinVar:

NM_014476.6(PDLIM3):c.16A>T (p.Ile6Phe)

Gene: PDLIM3 (PDZ and LIM domain 3; minus strand). Cytogenetic location: 4q35.1.
Variant type: single nucleotide variant.
Coding change: c.16A>T on transcript NM_014476.6 (MANE Select); coding-DNA position 16, A replaced by T.
Protein change: p.Ile6Phe; replaces isoleucine 6 with phenylalanine.
Molecular consequence: missense variant. On other transcripts: non-coding transcript variant (1).
Genome position (GRCh38, 1-based): chr4:185,535,419, T>A on the plus strand (A>T on the coding strand, the complement: PDLIM3 is on the minus strand). VCF-style: chr4-185535419-T-A. GRCh37 (hg19) VCF-style: chr4-186456573-T-A.
Other names: c.16A>T, p.Ile6Phe (NM_001114107.5, NM_001257962.2, NM_001257963.2); short protein forms I6F.
Identifiers: ClinVar variation 3226316 (VCV003226316.1), dbSNP rs371901477, ClinGen allele CA3159933.

ClinVar aggregate classification (germline): Uncertain significance (1 of 4 stars; one submission).

Allele frequency attached by ClinVar (database versions not stated): ExAC 0.00001; gnomAD 0.00001; TOPMed 0.00001; ESP Exome Variant Server 0.00008.

Submission:

Ambry Genetics
Classification: Uncertain significance. Last evaluated: 2023-09-30. Review status: criteria provided, single submitter. Criteria: Ambry Variant Classification Scheme 2023. Collection method: clinical testing. Allele origin: germline.
Comment: The p.I6F variant (also known as c.16A>T), located in coding exon 1 of the PDLIM3 gene, results from an A to T substitution at nucleotide position 16. The isoleucine at codon 6 is replaced by phenylalanine, an amino acid with highly similar properties. This amino acid position is conserved. In addition, this alteration is predicted to be tolerated by in silico analysis. Since supporting evidence is limited at this time, the clinical significance of this alteration remains unclear.